The following is an entry in ClinVar:

NM_015570.4(AUTS2):c.3694G>T (p.Val1232Phe)

Gene: AUTS2 (activator of transcription and developmental regulator AUTS2; plus strand). Cytogenetic location: 7q11.22.
Variant type: single nucleotide variant.
Coding change: c.3694G>T on transcript NM_015570.4 (MANE Select); coding-DNA position 3694, G replaced by T.
Protein change: p.Val1232Phe; replaces valine 1232 with phenylalanine.
Molecular consequence: missense variant.
Genome position (GRCh38, 1-based): chr7:70,790,910, G>T. VCF-style: chr7-70790910-G-T. GRCh37 (hg19) VCF-style: chr7-70255896-G-T.
Other names: c.3622G>T, p.Val1208Phe (NM_001127231.3); c.3694G>T (NM_015570.2); short protein forms V1208F, V1232F.
Identifiers: ClinVar variation 2155614 (VCV002155614.6), dbSNP rs1289630665, ClinGen allele CA367666726.

ClinVar aggregate classification (germline): Conflicting classifications of pathogenicity. Review status: criteria provided, conflicting classifications (1 of 4 stars). 3 submissions from 3 submitters: Uncertain significance (2); Likely benign (1). Last evaluated 2025-03-26.

Conditions:
Inborn genetic diseases. Identifiers: MedGen C0950123, MeSH D030342.

Allele frequency attached by ClinVar (database versions not stated): gnomAD 0.00001.
gnomAD v4.1: 6 of 1,585,260 alleles (0.00038%); highest among the groups gnomAD compares: Non-Finnish European, 0.00043%; no homozygotes.

Submissions (3):

Ambry Genetics
Classification: Uncertain significance for Inborn genetic diseases. Last evaluated: 2025-03-26. Review status: criteria provided, single submitter. Criteria: Ambry Variant Classification Scheme 2023. Collection method: clinical testing. Allele origin: germline.

Laboratory of Genetics, Children's Clinical University Hospital Latvia
Classification: Likely benign. Last evaluated: 2025-02-16. Review status: criteria provided, single submitter. Criteria: ACMG Guidelines, 2015. Collection method: clinical testing. Allele origin: germline. Affected: yes.

Labcorp Genetics (formerly Invitae), Labcorp
Classification: Uncertain significance. Last evaluated: 2024-05-30. Review status: criteria provided, single submitter. Criteria: Invitae Variant Classification Sherloc (09022015). Collection method: clinical testing. Allele origin: germline.
Comment: This sequence change replaces valine, which is neutral and non-polar, with phenylalanine, which is neutral and non-polar, at codon 1232 of the AUTS2 protein (p.Val1232Phe). This variant is present in population databases (no rsID available, gnomAD 0.007%). This variant has not been reported in the literature in individuals affected with AUTS2-related conditions. ClinVar contains an entry for this variant (Variation ID: 2155614). Advanced modeling of protein sequence and biophysical properties (such as structural, functional, and spatial information, amino acid conservation, physicochemical variation, residue mobility, and thermodynamic stability) performed at Invitae indicates that this missense variant is not expected to disrupt AUTS2 protein function with a negative predictive value of 80%. In summary, the available evidence is currently insufficient to determine the role of this variant in disease. Therefore, it has been classified as a Variant of Uncertain Significance.